The following is an entry in ClinVar:

NM_000532.5(PCCB):c.1274C>T (p.Pro425Leu)

Gene: PCCB (propionyl-CoA carboxylase subunit beta; plus strand). Cytogenetic location: 3q22.3.
Variant type: single nucleotide variant.
Coding change: c.1274C>T on transcript NM_000532.5 (MANE Select); coding-DNA position 1274, C replaced by T.
Protein change: p.Pro425Leu; replaces proline 425 with leucine.
Molecular consequence: missense variant.
Genome position (GRCh38, 1-based): chr3:136,327,230, C>T. VCF-style: chr3-136327230-C-T. GRCh37 (hg19) VCF-style: chr3-136046072-C-T.
Other names: c.1334C>T, p.Pro445Leu (NM_001178014.2); short protein forms P425L, P445L.
Identifiers: ClinVar variation 2073370 (VCV002073370.1), dbSNP rs141350388, ClinGen allele CA83820078.

ClinVar aggregate classification (germline): Uncertain significance (1 of 4 stars; one submission).

Conditions:
Propionic acidemia (PROP). Also called: GLYCINEMIA, KETOTIC; HYPERGLYCINEMIA WITH KETOACIDOSIS AND LEUKOPENIA; KETOTIC HYPERGLYCINEMIA. Identifiers: Orphanet 35, MedGen C0268579, MONDO:0011628, OMIM 606054, HP:0003571.

Allele frequency attached by ClinVar (database versions not stated): gnomAD 0.00001; ESP Exome Variant Server 0.00008.
gnomAD v4.1: 19 of 1,613,920 alleles (0.0012%); highest among the groups gnomAD compares: Non-Finnish European, 0.0015%; no homozygotes.

Submission:

Labcorp Genetics (formerly Invitae), Labcorp
Classification: Uncertain significance for Propionic acidemia. Last evaluated: 2022-08-13. Review status: criteria provided, single submitter. Criteria: Invitae Variant Classification Sherloc (09022015). Collection method: clinical testing. Allele origin: germline.
Comment: This sequence change replaces proline, which is neutral and non-polar, with leucine, which is neutral and non-polar, at codon 425 of the PCCB protein (p.Pro425Leu). This variant is present in population databases (rs141350388, gnomAD 0.002%). This variant has not been reported in the literature in individuals affected with PCCB-related conditions. Advanced modeling of protein sequence and biophysical properties (such as structural, functional, and spatial information, amino acid conservation, physicochemical variation, residue mobility, and thermodynamic stability) performed at Invitae indicates that this missense variant is expected to disrupt PCCB protein function. In summary, the available evidence is currently insufficient to determine the role of this variant in disease. Therefore, it has been classified as a Variant of Uncertain Significance.